The following is an entry in ClinVar:

ClinVar aggregate classification (germline): Likely benign. Review status: criteria provided, single submitter (1 of 4 stars). 2 submissions from 2 submitters: Likely benign (1). 1 of the submissions does not count toward it. Last evaluated 2024-11-13.

Conditions:
Genitopatellar syndrome (GTPTS). Also called: Genitopatellar syndrome (GPS); ABSENT PATELLAE, SCROTAL HYPOPLASIA, RENAL ANOMALIES, FACIAL DYSMORPHISM, AND MENTAL RETARDATION. Identifiers: Orphanet 85201, MedGen C1853566, MONDO:0011640, OMIM 606170.
KAT6B-related disorder. Also called: KAT6B-related disorders; KAT6B-related condition.

Allele frequency attached by ClinVar (database versions not stated): TOPMed 0.00001; ExAC 0.00002; gnomAD 0.00003; gnomAD exomes 0.00008.
gnomAD v4.1: 121 of 1,613,992 alleles (0.0075%); highest among the groups gnomAD compares: East Asian, 0.27%; no homozygotes.

Submissions (2):

Labcorp Genetics (formerly Invitae), Labcorp
Classification: Likely benign for Genitopatellar syndrome. Last evaluated: 2024-11-13. Review status: criteria provided, single submitter. Criteria: Invitae Variant Classification Sherloc (09022015). Collection method: clinical testing. Allele origin: germline.

PreventionGenetics, part of Exact Sciences
Classification: Likely benign for KAT6B-related condition. Last evaluated: 2019-08-05. Review status: no assertion criteria provided. Collection method: clinical testing. Allele origin: germline. Not counted in ClinVar's aggregate classification.
Comment: This variant is classified as likely benign based on ACMG/AMP sequence variant interpretation guidelines (Richards et al. 2015 PMID: 25741868, with internal and published modifications).

NM_012330.4(KAT6B):c.2490A>G (p.Thr830=)

Gene: KAT6B (lysine acetyltransferase 6B; plus strand). Cytogenetic location: 10q22.2.
Variant type: single nucleotide variant.
Coding change: c.2490A>G on transcript NM_012330.4 (MANE Select); coding-DNA position 2490, A replaced by G.
Protein change: p.Thr830=; no amino-acid change (threonine 830 retained).
Molecular consequence: synonymous variant. On other transcripts: intron variant (4).
Genome position (GRCh38, 1-based): chr10:74,985,196, A>G. VCF-style: chr10-74985196-A-G. GRCh37 (hg19) VCF-style: chr10-76744954-A-G.
Other names: c.1941A>G, p.Thr647= (NM_001256468.2, NM_001370138.1); c.1614A>G, p.Thr538= (NM_001256469.2, NM_001370139.1, NM_001370140.1 and 2 more transcripts); c.2490A>G, p.Thr830= (NM_001370136.1, NM_001370137.1); c.1425A>G, p.Thr475= (NM_001370143.1, NM_001370144.1); c.847-3823A>G (NM_001370133.1); c.450+3268A>G (NM_001370134.1); c.1497+3268A>G (NM_001370132.1); c.193-3823A>G (NM_001370135.1); and 1 more.
Identifiers: ClinVar variation 2059261 (VCV002059261.6), dbSNP rs201465048, ClinGen allele CA5564600.